The following is an entry in ClinVar:

NM_001267550.2(TTN):c.9701A>G (p.Asn3234Ser)

Gene: TTN (titin; minus strand). Cytogenetic location: 2q31.2.
Variant type: single nucleotide variant.
Coding change: c.9701A>G on transcript NM_001267550.2 (MANE Select); coding-DNA position 9701, A replaced by G.
Protein change: p.Asn3234Ser; replaces asparagine 3234 with serine.
Molecular consequence: missense variant.
Genome position (GRCh38, 1-based): chr2:178,766,383, T>C on the plus strand (A>G on the coding strand, the complement: TTN is on the minus strand). VCF-style: chr2-178766383-T-C. GRCh37 (hg19) VCF-style: chr2-179631110-T-C.
Other names: c.9701A>G, p.Asn3234Ser (NM_133378.4, NM_001256850.1, NM_133379.5); c.9563A>G, p.Asn3188Ser (NM_003319.4, NM_133432.3, NM_133437.4); short protein forms N3234S, N3188S.
Identifiers: ClinVar variation 47676 (VCV000047676.7), dbSNP rs397517791, ClinGen allele CA141684.
Genomic context (GRCh38, chr2:178,766,383, plus strand): 5'-AACAGGAGGATTATTTCTGATGGATCCACAAAATATGCTGAAATCTGTCCCTACATACCA[T>C]TGACATAGAGAGTGACAGAACTCCTGTTCCTTCCTGCCACAAAGGTGTATTCTCCTGCAT-3'
Protein context (NP_001254479.2, residues 3224-3244): RNRSSVTLYV[Asn3234Ser]APEPPQVLQE

ClinVar aggregate classification (germline): Conflicting classifications of pathogenicity. Review status: criteria provided, conflicting classifications (1 of 4 stars). 2 submissions from 2 submitters: Uncertain significance (1); Likely benign (1). Last evaluated 2020-05-18.

Conditions:
Cardiovascular phenotype. Identifiers: MedGen CN230736.

Allele frequency attached by ClinVar (database versions not stated): gnomAD 0.00001; TOPMed 0.00003.
gnomAD v4.1: 20 of 1,603,636 alleles (0.0012%); highest among the groups gnomAD compares: East Asian, 0.0067%; no homozygotes.

Submissions (2):

Ambry Genetics
Classification: Likely benign for Cardiovascular phenotype. Last evaluated: 2020-05-18. Review status: criteria provided, single submitter. Criteria: Ambry Variant Classification Scheme 2023. Collection method: clinical testing. Allele origin: germline.

Laboratory for Molecular Medicine, Mass General Brigham Personalized Medicine
Classification: Uncertain significance. Last evaluated: 2018-11-05. Review status: criteria provided, single submitter. Criteria: LMM Criteria. Collection method: clinical testing. Allele origin: germline. Observed: 4 variant alleles.
Comment: It has also been identified in 7/282532 chromosomes by gnomAD. Computational prediction tools and conservati on analysis suggest that this variant may impact the protein, though this inform ation is not predictive enough to determine pathogenicity. In addition, this var iant is located in the last three bases of the exon, which is part of the 5? spl ice region. Computational tools do not suggest an impact to splicing. In summary , the clinical significance of the p.Asn3234Ser variant is uncertain. ACMG/AMP C riteria applied: PP3.